The following is an entry in ClinVar:

NM_002691.4(POLD1):c.421A>T (p.Ile141Phe)

Gene: POLD1 (DNA polymerase delta 1, catalytic subunit; plus strand). Cytogenetic location: 19q13.33.
Variant type: single nucleotide variant.
Coding change: c.421A>T on transcript NM_002691.4 (MANE Select); coding-DNA position 421, A replaced by T.
Protein change: p.Ile141Phe; replaces isoleucine 141 with phenylalanine.
Molecular consequence: missense variant. On other transcripts: non-coding transcript variant (1).
Genome position (GRCh38, 1-based): chr19:50,401,882, A>T. VCF-style: chr19-50401882-A-T. GRCh37 (hg19) VCF-style: chr19-50905139-A-T.
Other names: c.421A>T, p.Ile141Phe (NM_001256849.1, NM_001308632.1); short protein forms I141F.
Identifiers: ClinVar variation 839913 (VCV000839913.9), dbSNP rs562388532, ClinGen allele CA309599166.

ClinVar aggregate classification (germline): Uncertain significance (1 of 4 stars; one submission).

Conditions:
POLD1-related polyposis and colorectal cancer syndrome (CRCS10). Also called: Colorectal cancer 10; COLORECTAL CANCER, SUSCEPTIBILITY TO, ON CHROMOSOME 19q; Colorectal cancer, susceptibility to, 10. Identifiers: Orphanet 220460, MedGen C2675481, MONDO:0012953, OMIM 612591.

Submission:

Labcorp Genetics (formerly Invitae), Labcorp
Classification: Uncertain significance for POLD1-related polyposis and colorectal cancer syndrome. Last evaluated: 2024-02-26. Review status: criteria provided, single submitter. Criteria: Invitae Variant Classification Sherloc (09022015). Collection method: clinical testing. Allele origin: germline.
Comment: This sequence change replaces isoleucine, which is neutral and non-polar, with phenylalanine, which is neutral and non-polar, at codon 141 of the POLD1 protein (p.Ile141Phe). This variant is not present in population databases (gnomAD no frequency). This variant has not been reported in the literature in individuals affected with POLD1-related conditions. ClinVar contains an entry for this variant (Variation ID: 839913). Advanced modeling of protein sequence and biophysical properties (such as structural, functional, and spatial information, amino acid conservation, physicochemical variation, residue mobility, and thermodynamic stability) performed at Invitae indicates that this missense variant is not expected to disrupt POLD1 protein function with a negative predictive value of 80%. In summary, the available evidence is currently insufficient to determine the role of this variant in disease. Therefore, it has been classified as a Variant of Uncertain Significance.